The following is an entry in ClinVar:

NM_001482.3(GATM):c.683C>G (p.Pro228Arg)

Gene: GATM (glycine amidinotransferase; minus strand). Cytogenetic location: 15q21.1.
Variant type: single nucleotide variant.
Coding change: c.683C>G on transcript NM_001482.3 (MANE Select); coding-DNA position 683, C replaced by G.
Protein change: p.Pro228Arg; replaces proline 228 with arginine.
Molecular consequence: missense variant.
Genome position (GRCh38, 1-based): chr15:45,366,501, G>C on the plus strand (C>G on the coding strand, the complement: GATM is on the minus strand). VCF-style: chr15-45366501-G-C. GRCh37 (hg19) VCF-style: chr15-45658699-G-C.
Other names: c.296C>G, p.Pro99Arg (NM_001321015.2); short protein forms P228R, P99R.
Identifiers: ClinVar variation 2903054 (VCV002903054.3), dbSNP rs2541989265, ClinGen allele CA392259458.

ClinVar aggregate classification (germline): Uncertain significance (1 of 4 stars; one submission).

Conditions:
Arginine:glycine amidinotransferase deficiency (CCDS3). Also called: AGAT deficiency; Creatine deficiency syndrome due to AGAT deficiency; GATM deficiency; L-Arginine:Glycine Amidinotransferase (AGAT) Deficiency; L-Arginine:Glycine Amidinotransferase Deficiency; Cerebral creatine deficiency syndrome 3. Identifiers: Orphanet 35704, MedGen C2675179, MONDO:0012996, OMIM 612718.

Allele frequency attached by ClinVar (database versions not stated): gnomAD exomes below 0.00001.
gnomAD v4.1: 1 of 1,613,868 alleles (0.000062%); highest among the groups gnomAD compares: Non-Finnish European, 0.000085%; no homozygotes.

Submission:

Labcorp Genetics (formerly Invitae), Labcorp
Classification: Uncertain significance for Arginine:glycine amidinotransferase deficiency. Last evaluated: 2023-03-18. Review status: criteria provided, single submitter. Criteria: Invitae Variant Classification Sherloc (09022015). Collection method: clinical testing. Allele origin: germline.
Comment: This sequence change replaces proline, which is neutral and non-polar, with arginine, which is basic and polar, at codon 228 of the GATM protein (p.Pro228Arg). This variant is not present in population databases (gnomAD no frequency). This variant has not been reported in the literature in individuals affected with GATM-related conditions. Advanced modeling of protein sequence and biophysical properties (such as structural, functional, and spatial information, amino acid conservation, physicochemical variation, residue mobility, and thermodynamic stability) performed at Invitae indicates that this missense variant is not expected to disrupt GATM protein function. In summary, the available evidence is currently insufficient to determine the role of this variant in disease. Therefore, it has been classified as a Variant of Uncertain Significance.